The following is an entry in ClinVar:

ClinVar aggregate classification (germline): Conflicting classifications of pathogenicity. Review status: criteria provided, conflicting classifications (1 of 4 stars). 2 submissions from 2 submitters: Pathogenic (1); Uncertain significance (1). Last evaluated 2024-01-16.

Conditions:
Fructose-biphosphatase deficiency (FBP1D). Also called: Fructose-1,6-Bisphosphatase 1 Deficiency; Fructose 1,6 Bisphosphatase Deficiency; Fructose-1,6-Diphosphatase Deficiency. Identifiers: Orphanet 348, MedGen C0016756, MONDO:0009251, OMIM 229700.

Submissions (2):

Labcorp Genetics (formerly Invitae), Labcorp
Classification: Pathogenic for Fructose-biphosphatase deficiency. Last evaluated: 2024-01-16. Review status: criteria provided, single submitter. Criteria: Invitae Variant Classification Sherloc (09022015). Collection method: clinical testing. Allele origin: germline.
Comment: This sequence change creates a premature translational stop signal (p.Asp323Thrfs*7) in the FBP1 gene. While this is not anticipated to result in nonsense mediated decay, it is expected to disrupt the last 16 amino acid(s) of the FBP1 protein. The frequency data for this variant in the population databases is considered unreliable, as metrics indicate poor data quality at this position in the gnomAD database. This premature translational stop signal has been observed in individual(s) with fructose-1,6-bisphosphatase deficiency (PMID: 10234608). ClinVar contains an entry for this variant (Variation ID: 548499). Algorithms developed to predict the effect of variants on protein structure and function are not available or were not evaluated for this variant. Experimental studies have shown that this premature translational stop signal affects FBP1 function (PMID: 10234608). This variant disrupts a region of the FBP1 protein in which other variant(s) (p.Leu329Pro) have been determined to be pathogenic (PMID: 30858132). This suggests that this is a clinically significant region of the protein, and that variants that disrupt it are likely to be disease-causing. For these reasons, this variant has been classified as Pathogenic.

Genomic Research Center, Shahid Beheshti University of Medical Sciences
Classification: Uncertain significance for Fructose-biphosphatase deficiency. Last evaluated: 2018-03-05. Review status: criteria provided, single submitter. Criteria: ACMG Guidelines, 2015. Collection method: clinical testing. Allele origin: inherited. Affected: no. Observed: 1 variant allele.

Literature cited by the submitters: PubMed 10234608 (cited by Labcorp Genetics (formerly Invitae), Labcorp); PubMed 30858132 (cited by Labcorp Genetics (formerly Invitae), Labcorp).

NM_000507.4(FBP1):c.966del (p.Asp323fs)

Gene: FBP1 (fructose-bisphosphatase 1; minus strand). Cytogenetic location: 9q22.32.
Variant type: Deletion.
Coding change: c.966del on transcript NM_000507.4 (MANE Select); coding-DNA position 966, one base deleted (C; older notation c.966delC).
Protein change: p.Asp323fs; shifts the reading frame from aspartic acid 323.
Molecular consequence: frameshift variant.
Genome position (GRCh38, 1-based): chr9:94,603,432, G deleted on the plus strand (C on the coding strand, the reverse complement: FBP1 is on the minus strand); the first of 5 consecutive G bases (chr9:94,603,432-94,603,436); deleting any one gives the same sequence. VCF-style (leftmost placement, unchanged base first): chr9-94603431-CG-C. GRCh37 (hg19) VCF-style: chr9-97365713-CG-C.
Other names: c.966delC (NM_001127628.1); c.966del, p.Asp323fs (NM_001127628.2); short protein forms D323fs.
Identifiers: ClinVar variation 548499 (VCV000548499.8), dbSNP rs747269745, ClinGen allele CA5136062.